The following is an entry in ClinVar:

ClinVar aggregate classification (germline): Uncertain significance (1 of 4 stars; one submission).

Submission:

GeneDx
Classification: Uncertain significance. Last evaluated: 2025-06-06. Review status: criteria provided, single submitter. Criteria: GeneDx Variant Classification Process June 2021. Collection method: clinical testing. Allele origin: germline. Affected: yes.
Comment: In silico analysis supports a deleterious effect on splicing; Has not been previously published as pathogenic or benign to our knowledge; No data available from control populations to assess the frequency of this variant

NM_006303.4(AIMP2):c.135+1978_135+1981delinsGACA

Gene: AIMP2 (aminoacyl tRNA synthetase complex interacting multifunctional protein 2; plus strand). Cytogenetic location: 7p22.1.
Variant type: Indel.
Coding change: c.135+1978_135+1981delinsGACA on transcript NM_006303.4 (MANE Select); bases 1978 to 1981 of the intron after coding-DNA position 135, AACG replaced by GACA.
Molecular consequence: intron variant.
Genome position (GRCh38, 1-based): chr7:6,011,476-6,011,479, AACG replaced by GACA. VCF-style: chr7-6011476-AACG-GACA. GRCh37 (hg19) VCF-style: chr7-6051107-AACG-GACA.
Other names: c.-185-1268_-185-1265delinsGACA (NM_001326609.2); c.135+1978_135+1981delinsGACA (NM_001326607.2); c.-100+705_-100+708delinsGACA (NM_001326611.3); c.-251+2098_-251+2101delinsGACA (NM_001326610.2); c.15+2098_15+2101delinsGACA (NM_001326606.2); c.48+299_48+302delinsGACA (NM_001362785.2); c.3+1707_3+1710delinsGACA (NM_001362787.2).
Identifiers: ClinVar variation 4536203 (VCV004536203.1).